The following is an entry in ClinVar:

NM_020812.4(DOCK6):c.545C>A (p.Thr182Asn)

Gene: DOCK6 (dedicator of cytokinesis 6; minus strand). Cytogenetic location: 19p13.2.
Variant type: single nucleotide variant.
Coding change: c.545C>A on transcript NM_020812.4 (MANE Select); coding-DNA position 545, C replaced by A.
Protein change: p.Thr182Asn; replaces threonine 182 with asparagine.
Molecular consequence: missense variant.
Genome position (GRCh38, 1-based): chr19:11,251,049, G>T on the plus strand (C>A on the coding strand, the complement: DOCK6 is on the minus strand). VCF-style: chr19-11251049-G-T. GRCh37 (hg19) VCF-style: chr19-11361725-G-T.
Other names: c.545C>A, p.Thr182Asn (NM_001367830.1); c.545C>A (NM_020812.2); short protein forms T182N.
Identifiers: ClinVar variation 1523377 (VCV001523377.6), dbSNP rs185153527, ClinGen allele CA9208442.

ClinVar aggregate classification (germline): Uncertain significance. Review status: criteria provided, multiple submitters, no conflicts (2 of 4 stars). 2 submissions from 2 submitters: Uncertain significance (2). Last evaluated 2024-03-07.

Conditions:
Inborn genetic diseases. Identifiers: MedGen C0950123, MeSH D030342.

Allele frequency attached by ClinVar (database versions not stated): 1000 Genomes Project 0.00040; 1000 Genomes Project 30x 0.00047.
gnomAD v4.1: 30 of 1,613,158 alleles (0.0019%); highest among the groups gnomAD compares: Admixed American, 0.03%; no homozygotes.

Submissions (2):

Ambry Genetics
Classification: Uncertain significance for Inborn genetic diseases. Last evaluated: 2024-03-07. Review status: criteria provided, single submitter. Criteria: Ambry Variant Classification Scheme 2023. Collection method: clinical testing. Allele origin: germline.

Labcorp Genetics (formerly Invitae), Labcorp
Classification: Uncertain significance. Last evaluated: 2023-12-11. Review status: criteria provided, single submitter. Criteria: Invitae Variant Classification Sherloc (09022015). Collection method: clinical testing. Allele origin: germline.
Comment: This sequence change replaces threonine, which is neutral and polar, with asparagine, which is neutral and polar, at codon 182 of the DOCK6 protein (p.Thr182Asn). This variant is present in population databases (rs185153527, gnomAD 0.04%). This variant has not been reported in the literature in individuals affected with DOCK6-related conditions. ClinVar contains an entry for this variant (Variation ID: 1523377). Advanced modeling of protein sequence and biophysical properties (such as structural, functional, and spatial information, amino acid conservation, physicochemical variation, residue mobility, and thermodynamic stability) has been performed at Invitae for this missense variant, however the output from this modeling did not meet the statistical confidence thresholds required to predict the impact of this variant on DOCK6 protein function. In summary, the available evidence is currently insufficient to determine the role of this variant in disease. Therefore, it has been classified as a Variant of Uncertain Significance.